The following is an entry in ClinVar:

NM_004369.4(COL6A3):c.8036G>A (p.Ser2679Asn)

Gene: COL6A3 (collagen type VI alpha 3 chain; minus strand). Cytogenetic location: 2q37.3.
Variant type: single nucleotide variant.
Coding change: c.8036G>A on transcript NM_004369.4 (MANE Select); coding-DNA position 8036, G replaced by A.
Protein change: p.Ser2679Asn; replaces serine 2679 with asparagine.
Molecular consequence: missense variant.
Genome position (GRCh38, 1-based): chr2:237,340,880, C>T on the plus strand (G>A on the coding strand, the complement: COL6A3 is on the minus strand). VCF-style: chr2-237340880-C-T. GRCh37 (hg19) VCF-style: chr2-238249523-C-T.
Other names: c.6215G>A, p.Ser2072Asn (NM_057166.5); c.7418G>A, p.Ser2473Asn (NM_057167.4); short protein forms S2072N, S2473N, S2679N.
Identifiers: ClinVar variation 4849069 (VCV004849069.1).
Genomic context (GRCh38, chr2:237,340,880, plus strand): 5'-ACCAGCTTCTCCTTGGAGCCATAGTCAGTCAGGGAGAATTCCACCTTCACAGGTGGCATG[C>T]TGGCATTGTCCACGGACTCAGAGGGCGCGTGCTGCACAACTGCCACTCTGGCGAAGTGCT-3'
Protein context (NP_004360.2, residues 2669-2689): HAPSESVDNA[Ser2679Asn]MPPVKVEFSL

ClinVar aggregate classification (germline): Uncertain significance (1 of 4 stars; one submission).

gnomAD v4.1: 15 of 1,613,684 alleles (0.00093%); highest among the groups gnomAD compares: South Asian, 0.015%; no homozygotes.

Submission:

Women's Health and Genetics/Laboratory Corporation of America, LabCorp
Classification: Uncertain significance. Last evaluated: 2026-04-27. Review status: criteria provided, single submitter. Criteria: LabCorp Variant Classification Summary - May 2015. Collection method: clinical testing. Allele origin: germline.
Comment: Variant summary: COL6A3 c.8036G>A (p.Ser2679Asn) results in a conservative amino acid change in the encoded protein sequence. Algorithms developed to predict the effect of missense changes on protein structure and function are either unavailable or do not agree on the potential impact of this missense change. The variant allele was found at a frequency of 2.4e-05 in 251034 control chromosomes. The available data on variant occurrences in the general population are insufficient to allow any conclusion about variant significance. To our knowledge, no occurrence of c.8036G>A in individuals affected with COL6A3-related conditions and no experimental evidence demonstrating its impact on protein function have been reported. No submitters have cited clinical-significance assessments for this variant to ClinVar. Based on the evidence outlined above, the variant was classified as uncertain significance.